The following is an entry in ClinVar:

NM_000548.5(TSC2):c.4624A>G (p.Thr1542Ala)

Gene: TSC2 (TSC complex subunit 2; plus strand). Cytogenetic location: 16p13.3.
Variant type: single nucleotide variant.
Coding change: c.4624A>G on transcript NM_000548.5 (MANE Select); coding-DNA position 4624, A replaced by G.
Protein change: p.Thr1542Ala; replaces threonine 1542 with alanine.
Molecular consequence: missense variant. On other transcripts: non-coding transcript variant (5).
Genome position (GRCh38, 1-based): chr16:2,085,284, A>G. VCF-style: chr16-2085284-A-G. GRCh37 (hg19) VCF-style: chr16-2135285-A-G.
Other names: c.4423A>G, p.Thr1475Ala (NM_001077183.3); c.4555A>G, p.Thr1519Ala (NM_001114382.3); c.4315A>G, p.Thr1439Ala (NM_001318827.2); c.4279A>G, p.Thr1427Ala (NM_001318829.2); c.4444A>G, p.Thr1482Ala (NM_001406670.1); c.4414A>G, p.Thr1472Ala (NM_001406671.1); c.4411A>G, p.Thr1471Ala (NM_001406673.1); c.4408A>G, p.Thr1470Ala (NM_001406675.1); and 26 more; short protein forms T1275A, T1298A, T1319A, T1438A, T1469A, T1470A, T1486A, T1499A.
Identifiers: ClinVar variation 2725000 (VCV002725000.5), dbSNP rs2544325339, ClinGen allele CA394304830.

ClinVar aggregate classification (germline): Uncertain significance. Review status: criteria provided, multiple submitters, no conflicts (2 of 4 stars). 3 submissions from 3 submitters: Uncertain significance (3). Last evaluated 2026-07-06.

Conditions:
Hereditary cancer-predisposing syndrome. Also called: Hereditary Cancer Syndrome; Hereditary neoplastic syndrome; Neoplastic Syndromes, Hereditary; Tumor predisposition. Identifiers: Orphanet 140162, MedGen C0027672, MeSH D009386, MONDO:0015356.
Isolated focal cortical dysplasia type II (FCORD2). Also called: Focal cortical dysplasia type II; CORTICAL DYSPLASIA OF TAYLOR. Identifiers: Orphanet 268994, MedGen C1846385, MONDO:0011818, OMIM 607341, HP:0032051.
Lymphangiomyomatosis (LAM). Also called: Lymphangioleiomyomatosis; Lymphangioleiomyomatosis, somatic. Identifiers: Orphanet 538, MedGen C0751674, MONDO:0011705, OMIM 606690.
Tuberous sclerosis 2 (TSC2). Identifiers: Orphanet 805, MedGen C1860707, MONDO:0013199, OMIM 613254.

Submissions (3):

Ambry Genetics
Classification: Uncertain significance for Hereditary cancer-predisposing syndrome. Last evaluated: 2026-07-06. Review status: criteria provided, single submitter. Criteria: Ambry Variant Classification Scheme 2023. Collection method: clinical testing. Allele origin: germline.
Comment: The p.T1542A variant (also known as c.4624A>G), located in coding exon 35 of the TSC2 gene, results from an A to G substitution at nucleotide position 4624. The threonine at codon 1542 is replaced by alanine, an amino acid with similar properties. This amino acid position is conserved. In addition, this alteration is predicted to be deleterious by in silico analysis. Based on the available evidence, the clinical significance of this variant remains unclear.

Fulgent Genetics
Classification: Uncertain significance for Lymphangiomyomatosis; Isolated focal cortical dysplasia type II; Tuberous sclerosis 2. Last evaluated: 2024-04-12. Review status: criteria provided, single submitter. Criteria: ACMG Guidelines, 2015. Collection method: clinical testing. Allele origin: germline.

Labcorp Genetics (formerly Invitae), Labcorp
Classification: Uncertain significance for Tuberous sclerosis 2. Last evaluated: 2023-06-23. Review status: criteria provided, single submitter. Criteria: Invitae Variant Classification Sherloc (09022015). Collection method: clinical testing. Allele origin: germline.
Comment: In summary, the available evidence is currently insufficient to determine the role of this variant in disease. Therefore, it has been classified as a Variant of Uncertain Significance. Advanced modeling of protein sequence and biophysical properties (such as structural, functional, and spatial information, amino acid conservation, physicochemical variation, residue mobility, and thermodynamic stability) performed at Invitae indicates that this missense variant is not expected to disrupt TSC2 protein function. This variant has not been reported in the literature in individuals affected with TSC2-related conditions. This variant is not present in population databases (gnomAD no frequency). This sequence change replaces threonine, which is neutral and polar, with alanine, which is neutral and non-polar, at codon 1542 of the TSC2 protein (p.Thr1542Ala).